The following is an entry in ClinVar:

ClinVar aggregate classification (germline): Likely benign. Review status: criteria provided, multiple submitters, no conflicts (2 of 4 stars). 4 submissions from 4 submitters: Likely benign (4). Last evaluated 2025-08-20.

Conditions:
Familial thoracic aortic aneurysm and aortic dissection (TAAD). Also called: Thoracic aortic aneurysms and dissections. Identifiers: Orphanet 91387, MedGen C4707243, MONDO:0019625.
Ehlers-Danlos syndrome, type 4 (EDSVASC). Also called: Ehlers-Danlos syndrome vascular type; Ehlers Danlos syndrome, ecchymotic type; Ehlers Danlos syndrome, arterial type; Ehlers Danlos syndrome, Sack-Barabas type; Ehlers-Danlos Syndrome Type IV. Identifiers: Orphanet 286, MedGen C0268338, MONDO:0017314, OMIM 130050.

Allele frequency attached by ClinVar (database versions not stated): ExAC 0.00001; gnomAD exomes 0.00001.

Submissions (4):

Labcorp Genetics (formerly Invitae), Labcorp
Classification: Likely benign for Ehlers-Danlos syndrome, type 4. Last evaluated: 2025-08-20. Review status: criteria provided, single submitter. Criteria: Invitae Variant Classification Sherloc (09022015). Collection method: clinical testing. Allele origin: germline.

Ambry Genetics
Classification: Likely benign for Familial thoracic aortic aneurysm and aortic dissection. Last evaluated: 2024-09-20. Review status: criteria provided, single submitter. Criteria: Ambry Variant Classification Scheme 2023. Collection method: clinical testing. Allele origin: germline.

All of Us Research Program, National Institutes of Health
Classification: Likely benign for Ehlers-Danlos syndrome, type 4. Last evaluated: 2024-05-30. Review status: criteria provided, single submitter. Criteria: ACMG Guidelines, 2015. Collection method: clinical testing. Allele origin: germline. Inheritance: Autosomal dominant inheritance. Observed: 2 variant alleles, 2 heterozygotes.
Comment: This study involves interpretation of variants in research participants for the purpose of population health screening. Participant phenotype was not available at the time of variant classification. Additional details can be found in publication PMID: 35346344, PMCID: PMC8962531

Color Diagnostics, LLC DBA Color Health
Classification: Likely benign for Familial thoracic aortic aneurysm and aortic dissection. Last evaluated: 2019-01-08. Review status: criteria provided, single submitter. Criteria: ACMG Guidelines, 2015. Collection method: clinical testing. Allele origin: germline.

NM_000090.4(COL3A1):c.1716A>C (p.Arg572=)

Gene: COL3A1 (collagen type III alpha 1 chain; plus strand). Cytogenetic location: 2q32.2.
Variant type: single nucleotide variant.
Coding change: c.1716A>C on transcript NM_000090.4 (MANE Select); coding-DNA position 1716, A replaced by C.
Protein change: p.Arg572=; no amino-acid change (arginine 572 retained).
Molecular consequence: synonymous variant.
Genome position (GRCh38, 1-based): chr2:188,996,451, A>C. VCF-style: chr2-188996451-A-C. GRCh37 (hg19) VCF-style: chr2-189861177-A-C.
Identifiers: ClinVar variation 459769 (VCV000459769.13), dbSNP rs751916055, ClinGen allele CA074591.
Genomic context (GRCh38, chr2:188,996,451, plus strand): 5'-TTATTAGGGAAGTCAAGGAGAAAGTGGTCGACCAGGTCCTCCTGGGCCATCTGGTCCCCG[A>C]GGTCAGCCTGGTGTCATGGGCTTCCCCGGTCCTAAAGGAAATGATGTGAGTTCCTTCATT-3'
Protein context (NP_000081.2, residues 562-582): RPGPPGPSGP[Arg572=]GQPGVMGFPG